The following is an entry in ClinVar:

NM_004247.4(EFTUD2):c.2805C>G (p.Ile935Met)

Gene: EFTUD2 (elongation factor Tu GTP binding domain containing 2; minus strand). Cytogenetic location: 17q21.31.
Variant type: single nucleotide variant.
Coding change: c.2805C>G on transcript NM_004247.4 (MANE Select); coding-DNA position 2805, C replaced by G.
Protein change: p.Ile935Met; replaces isoleucine 935 with methionine.
Molecular consequence: missense variant.
Genome position (GRCh38, 1-based): chr17:44,851,728, G>C on the plus strand (C>G on the coding strand, the complement: EFTUD2 is on the minus strand). VCF-style: chr17-44851728-G-C. GRCh37 (hg19) VCF-style: chr17-42929096-G-C.
Other names: c.2700C>G, p.Ile900Met (NM_001142605.2); c.2805C>G, p.Ile935Met (NM_001258353.2); c.2775C>G, p.Ile925Met (NM_001258354.2); short protein forms I900M, I935M, I925M.
Identifiers: ClinVar variation 2105766 (VCV002105766.4), dbSNP rs767190626, ClinGen allele CA399837798.

ClinVar aggregate classification (germline): Uncertain significance (1 of 4 stars; one submission).

Submission:

Labcorp Genetics (formerly Invitae), Labcorp
Classification: Uncertain significance. Last evaluated: 2022-03-18. Review status: criteria provided, single submitter. Criteria: Invitae Variant Classification Sherloc (09022015). Collection method: clinical testing. Allele origin: germline.
Comment: This variant is not present in population databases (gnomAD no frequency). In summary, the available evidence is currently insufficient to determine the role of this variant in disease. Therefore, it has been classified as a Variant of Uncertain Significance. Algorithms developed to predict the effect of missense changes on protein structure and function are either unavailable or do not agree on the potential impact of this missense change (SIFT: "Deleterious"; PolyPhen-2: "Possibly Damaging"; Align-GVGD: "Class C0"). This variant has not been reported in the literature in individuals affected with EFTUD2-related conditions. This sequence change replaces isoleucine, which is neutral and non-polar, with methionine, which is neutral and non-polar, at codon 935 of the EFTUD2 protein (p.Ile935Met).